The following is an entry in ClinVar:

NM_001127392.3(MYRF):c.3341G>A (p.Arg1114His)

Gene: MYRF (myelin regulatory factor; plus strand). Cytogenetic location: 11q12.2.
Variant type: single nucleotide variant.
Coding change: c.3341G>A on transcript NM_001127392.3 (MANE Select); coding-DNA position 3341, G replaced by A.
Protein change: p.Arg1114His; replaces arginine 1114 with histidine.
Molecular consequence: missense variant.
Genome position (GRCh38, 1-based): chr11:61,785,840, G>A. VCF-style: chr11-61785840-G-A. GRCh37 (hg19) VCF-style: chr11-61553312-G-A.
Other names: c.3221G>A, p.Arg1074His (NM_013279.4); short protein forms R1074H, R1114H.
Identifiers: ClinVar variation 3045507 (VCV003045507.3), dbSNP rs35113793, ClinGen allele CA6038393.

ClinVar aggregate classification (germline): Benign. Review status: criteria provided, single submitter (1 of 4 stars). 2 submissions from 2 submitters: Benign (1). 1 of the submissions does not count toward it. Last evaluated 2020-11-17.

Conditions:
Cardiac-urogenital syndrome (CUGS). Also called: MYRF-Related Cardiac Urogenital Syndrome. Identifiers: Orphanet 647811, MedGen C4748946, MONDO:0032653, OMIM 618280.
MYRF-related disorder. Also called: MYRF-related disorders; MYRF-related condition.

Allele frequency attached by ClinVar (database versions not stated): gnomAD exomes 0.00133; gnomAD 0.00160; TOPMed 0.00185; ExAC 0.00204; ESP Exome Variant Server 0.00238.

Submissions (2):

Department of Pathology and Laboratory Medicine, Sinai Health System
Classification: Benign for cardiac-urogenital syndrome. Last evaluated: 2020-11-17. Review status: criteria provided, single submitter. Criteria: ACMG Guidelines, 2015. Collection method: research. Allele origin: germline.

PreventionGenetics, part of Exact Sciences
Classification: Benign for MYRF-related condition. Last evaluated: 2019-10-30. Review status: no assertion criteria provided. Collection method: clinical testing. Allele origin: germline. Not counted in ClinVar's aggregate classification.
Comment: This variant is classified as benign based on ACMG/AMP sequence variant interpretation guidelines (Richards et al. 2015 PMID: 25741868, with internal and published modifications).